The following is an entry in ClinVar:

NM_182914.3(SYNE2):c.14984C>T (p.Ser4995Leu)

Gene: SYNE2 (spectrin repeat containing nuclear envelope protein 2; plus strand). Cytogenetic location: 14q23.2.
Variant type: single nucleotide variant.
Coding change: c.14984C>T on transcript NM_182914.3 (MANE Select); coding-DNA position 14984, C replaced by T.
Protein change: p.Ser4995Leu; replaces serine 4995 with leucine.
Molecular consequence: missense variant.
Genome position (GRCh38, 1-based): chr14:64,141,348, C>T. VCF-style: chr14-64141348-C-T. GRCh37 (hg19) VCF-style: chr14-64608066-C-T.
Other names: c.14984C>T, p.Ser4995Leu (NM_015180.6); short protein forms S4995L.
Identifiers: ClinVar variation 881377 (VCV000881377.9), dbSNP rs149790950, ClinGen allele CA7222954.
Genomic context (GRCh38, chr14:64,141,348, plus strand): 5'-ACTTTCTGCTATATTTAAATTTTAAGTTTCTAAATTTTAAAACTCTCCTTTAGGAGTTTT[C>T]AAAAGAAGTTGATGAAAAATCCTCCTTGAAGACTGCCGTTATCAGTATCGGGAACCAGCT-3'
Protein context (NP_878918.2, residues 4985-5005): RSNINNFFEF[Ser4995Leu]KEVDEKSSLK

ClinVar aggregate classification (germline): Conflicting classifications of pathogenicity. Review status: criteria provided, conflicting classifications (1 of 4 stars). 3 submissions from 3 submitters: Uncertain significance (1); Benign (1); Likely benign (1). Last evaluated 2025-08-04.

Conditions:
Emery-Dreifuss muscular dystrophy 5, autosomal dominant (EDMD5). Also called: EMERY-DREIFUSS MUSCULAR DYSTROPHY 5. Identifiers: Orphanet 261, MedGen C2751805, MONDO:0013072, OMIM 612999.

Allele frequency attached by ClinVar (database versions not stated): gnomAD 0.00005; TOPMed 0.00005; gnomAD exomes 0.00007 and 0.00012; ExAC 0.00011; 1000 Genomes Project 30x 0.00047; 1000 Genomes Project 0.00060.
gnomAD v4.1: 180 of 1,612,718 alleles (0.011%); highest among the groups gnomAD compares: East Asian, 0.4%; 1 homozygote.

Submissions (3):

Ambry Genetics
Classification: Uncertain significance. Last evaluated: 2025-08-04. Review status: criteria provided, single submitter. Criteria: Ambry Variant Classification Scheme 2023. Collection method: clinical testing. Allele origin: germline.

Labcorp Genetics (formerly Invitae), Labcorp
Classification: Likely benign for Emery-Dreifuss muscular dystrophy 5, autosomal dominant. Last evaluated: 2025-05-20. Review status: criteria provided, single submitter. Criteria: Invitae Variant Classification Sherloc (09022015). Collection method: clinical testing. Allele origin: germline.

Illumina Laboratory Services, Illumina
Classification: Benign for Emery-Dreifuss muscular dystrophy 5, autosomal dominant. Last evaluated: 2018-01-12. Review status: criteria provided, single submitter. Criteria: ICSL Variant Classification Criteria 13 December 2019. Collection method: clinical testing. Allele origin: germline.
Comment: This variant was observed in the ICSL laboratory as part of a predisposition screen in an ostensibly healthy population. It had not been previously curated by ICSL or reported in the Human Gene Mutation Database (HGMD: prior to June 1st, 2018), and was therefore a candidate for classification through an automated scoring system. Utilizing variant allele frequency, disease prevalence and penetrance estimates, and inheritance mode, an automated score was calculated to assess if this variant is too frequent to cause the disease. Based on the score and internal cut-off values, a variant classified as benign is not then subjected to further curation. The score for this variant resulted in a classification of benign for this disease.